The following is an entry in ClinVar:

ClinVar aggregate classification (germline): Pathogenic (1 of 4 stars; one submission).

Submission:

GeneDx
Classification: Pathogenic. Last evaluated: 2020-09-14. Review status: criteria provided, single submitter. Criteria: GeneDx Variant Classification Process June 2021. Collection method: clinical testing. Allele origin: germline. Affected: yes.
Comment: Frameshift variant predicted to result in protein truncation or nonsense mediated decay in a gene for which loss-of-function is a known mechanism of disease; Not observed in large population cohorts (Lek et al., 2016); This variant is associated with the following publications: (PMID: 23631430)

NM_000238.4(KCNH2):c.2108del (p.His703fs)

Gene: KCNH2 (potassium voltage-gated channel subfamily H member 2; minus strand). Cytogenetic location: 7q36.1.
Variant type: Deletion.
Coding change: c.2108del on transcript NM_000238.4 (MANE Select); coding-DNA position 2108, one base deleted (A; older notation c.2108delA).
Protein change: p.His703fs; shifts the reading frame from histidine 703.
Molecular consequence: frameshift variant.
Genome position (GRCh38, 1-based): chr7:150,950,958, T deleted on the plus strand (A on the coding strand, the reverse complement: KCNH2 is on the minus strand). VCF-style (leftmost placement, unchanged base first): chr7-150950957-GT-G. GRCh37 (hg19) VCF-style: chr7-150648045-GT-G.
Other names: c.2108delA, p.His703Profs (NM_172056.3); c.1088del, p.His363fs (NM_001204798.2, NM_172057.3); c.1820delA, p.His607Profs (NM_001406753.1, NM_001406756.1); c.1931delA, p.His644Profs (NM_001406755.1); c.1808delA, p.His603Profs (NM_001406757.1); short protein forms H363fs, H703fs.
Identifiers: ClinVar variation 1201653 (VCV001201653.5), dbSNP rs2116954525, ClinGen allele CA2499218801.